The following is an entry in ClinVar:

ClinVar aggregate classification (germline): Uncertain significance (1 of 4 stars; one submission).

Submission:

Labcorp Genetics (formerly Invitae), Labcorp
Classification: Uncertain significance. Last evaluated: 2022-04-08. Review status: criteria provided, single submitter. Criteria: Invitae Variant Classification Sherloc (09022015). Collection method: clinical testing. Allele origin: germline.
Comment: This variant results in a copy number gain of the genomic region encompassing exon(s) 2-10 of the LYN gene. This region includes the initiator codon of the gene. This copy number gain extends beyond the assayed region for this gene and therefore may encompass additional genes. As the precise location of this event is unknown, it may be in tandem or it may be located elsewhere in the genome. This variant has not been reported in the literature in individuals affected with LYN-related conditions. Experimental studies and prediction algorithms are not available or were not evaluated, and the functional significance of this variant is currently unknown. In summary, the available evidence is currently insufficient to determine the role of this variant in disease. Therefore, it has been classified as a Variant of Uncertain Significance.

NC_000008.10:g.(?_56854419)_(56882372_?)dup

Gene: LYN (LYN proto-oncogene, Src family tyrosine kinase; plus strand). Cytogenetic location: 8q12.1.
Variant type: Duplication.
Identifiers: ClinVar variation 2424417 (VCV002424417.4).